The following is an entry in ClinVar:

NM_014244.5(ADAMTS2):c.335A>G (p.Asn112Ser)

Gene: ADAMTS2 (ADAM metallopeptidase with thrombospondin type 1 motif 2; minus strand). Cytogenetic location: 5q35.3.
Variant type: single nucleotide variant.
Coding change: c.335A>G on transcript NM_014244.5 (MANE Select); coding-DNA position 335, A replaced by G.
Protein change: p.Asn112Ser; replaces asparagine 112 with serine.
Molecular consequence: missense variant.
Genome position (GRCh38, 1-based): chr5:179,343,966, T>C on the plus strand (A>G on the coding strand, the complement: ADAMTS2 is on the minus strand). VCF-style: chr5-179343966-T-C. GRCh37 (hg19) VCF-style: chr5-178770967-T-C.
Other names: c.335A>G, p.Asn112Ser (NM_021599.4); short protein forms N112S.
Identifiers: ClinVar variation 2140888 (VCV002140888.2), dbSNP rs763432883, ClinGen allele CA3596341.

ClinVar aggregate classification (germline): Uncertain significance (1 of 4 stars; one submission).

Conditions:
Ehlers-Danlos syndrome, dermatosparaxis type. Also called: EDS VIIC; Dermatosparaxis; Ehlers-Danlos syndrome, type VII, autosomal recessive. Identifiers: Orphanet 1901, MedGen C2700425, MONDO:0009161, OMIM 225410.

Allele frequency attached by ClinVar (database versions not stated): gnomAD exomes 0.00001; ExAC 0.00004.
gnomAD v4.1: 18 of 1,612,522 alleles (0.0011%); highest among the groups gnomAD compares: Non-Finnish European, 0.0014%; no homozygotes.

Submission:

Labcorp Genetics (formerly Invitae), Labcorp
Classification: Uncertain significance for Ehlers-Danlos syndrome, dermatosparaxis type. Last evaluated: 2024-03-26. Review status: criteria provided, single submitter. Criteria: Invitae Variant Classification Sherloc (09022015). Collection method: clinical testing. Allele origin: germline.
Comment: This sequence change replaces asparagine, which is neutral and polar, with serine, which is neutral and polar, at codon 112 of the ADAMTS2 protein (p.Asn112Ser). This variant is present in population databases (rs763432883, gnomAD 0.004%). This variant has not been reported in the literature in individuals affected with ADAMTS2-related conditions. ClinVar contains an entry for this variant (Variation ID: 2140888). An algorithm developed to predict the effect of missense changes on protein structure and function (PolyPhen-2) suggests that this variant is likely to be disruptive. In summary, the available evidence is currently insufficient to determine the role of this variant in disease. Therefore, it has been classified as a Variant of Uncertain Significance.